The following is an entry in ClinVar:

NM_148919.4(PSMB8):c.*6G>C

Gene: PSMB8 (proteasome 20S subunit beta 8; minus strand). Cytogenetic location: 6p21.32.
Variant type: single nucleotide variant.
Coding change: c.*6G>C on transcript NM_148919.4 (MANE Select); 6 bases downstream of the stop codon, G replaced by C.
Molecular consequence: 3 prime UTR variant.
Genome position (GRCh38, 1-based): chr6:32,840,953, C>G on the plus strand (G>C on the coding strand, the complement: PSMB8 is on the minus strand). VCF-style: chr6-32840953-C-G. GRCh37 (hg19) VCF-style: chr6-32808730-C-G.
Other names: c.*6G>C (LRG_1328t2, LRG_1328t1, NM_004159.5).
Identifiers: ClinVar variation 356360 (VCV000356360.14), dbSNP rs371747700, ClinGen allele CA3746266.

ClinVar aggregate classification (germline): Conflicting classifications of pathogenicity. Review status: criteria provided, conflicting classifications (1 of 4 stars). 5 submissions from 5 submitters: Uncertain significance (4); Likely benign (1). Last evaluated 2026-01-19.

Conditions:
Autoinflammatory syndrome. Identifiers: Orphanet 93665, MedGen C3890737, MONDO:0019751.
Proteasome-associated autoinflammatory syndrome 1 (PRAAS1). Also called: Nakajo syndrome; JOINT CONTRACTURES, MUSCULAR ATROPHY, MICROCYTIC ANEMIA, AND PANNICULITIS-INDUCED LIPODYSTROPHY; JMP SYNDROME; AUTOINFLAMMATION, LIPODYSTROPHY, AND DERMATOSIS SYNDROME; NAKAJO-NISHIMURA SYNDROME; CHRONIC ATYPICAL NEUTROPHILIC DERMATOSIS WITH LIPODYSTROPHY AND ELEVATED TEMPERATURE SYNDROME. Identifiers: Orphanet 2615, Orphanet 324977, Orphanet 324999, Orphanet 325004, MedGen C4746851, MONDO:0054698, OMIM 256040.

Allele frequency attached by ClinVar (database versions not stated): ESP Exome Variant Server 0.00008; TOPMed 0.00013; gnomAD 0.00014 and 0.00015; gnomAD exomes 0.00014 and 0.00015; ExAC 0.00016.

Submissions (5):

Women's Health and Genetics/Laboratory Corporation of America, LabCorp
Classification: Uncertain significance. Last evaluated: 2026-01-19. Review status: criteria provided, single submitter. Criteria: LabCorp Variant Classification Summary - May 2015. Collection method: clinical testing. Allele origin: germline.
Comment: Variant summary: PSMB8 c.*6G>C is located in the untranslated mRNA region downstream of the termination codon. The variant allele was found at a frequency of 0.00014 in 251480 control chromosomes. This frequency is not significantly higher than estimated for disease-causing variants in PSMB8, allowing no conclusion about variant significance. To our knowledge, no occurrence of c.*6G>C in individuals affected with PSMB8-related conditions and no experimental evidence demonstrating its impact on protein function have been reported. ClinVar contains an entry for this variant (Variation ID: 356360). Based on the evidence outlined above, the variant was classified as uncertain significance.

Mayo Clinic Laboratories, Mayo Clinic
Classification: Likely benign. Last evaluated: 2025-09-22. Review status: criteria provided, single submitter. Criteria: ACMG Guidelines, 2015. Collection method: clinical testing. Allele origin: germline. Observed: 1 variant allele.
Comment: BP4, BP7

Genome Diagnostics Laboratory, The Hospital for Sick Children
Classification: Uncertain significance for Autoinflammatory syndrome. Last evaluated: 2020-04-01. Review status: criteria provided, single submitter. Criteria: ACMG Guidelines, 2015. Collection method: clinical testing. Allele origin: germline. Affected: yes.

Illumina Laboratory Services, Illumina
Classification: Uncertain significance for Proteasome-associated autoinflammatory syndrome 1. Last evaluated: 2018-01-13. Review status: criteria provided, single submitter. Criteria: ICSL Variant Classification Criteria 13 December 2019. Collection method: clinical testing. Allele origin: germline.

Genetic Services Laboratory, University of Chicago
Classification: Uncertain significance. Last evaluated: 2016-02-23. Review status: criteria provided, single submitter. Criteria: ACMG Guidelines, 2015. Collection method: clinical testing. Allele origin: germline. Affected: no.